The following is an entry in ClinVar:

ClinVar aggregate classification (germline): Conflicting classifications of pathogenicity. Review status: criteria provided, conflicting classifications (1 of 4 stars). 2 submissions from 2 submitters: Pathogenic (1); Uncertain significance (1). Last evaluated 2024-09-13.

Submissions (2):

GeneDx
Classification: Pathogenic. Last evaluated: 2024-09-13. Review status: criteria provided, single submitter. Criteria: GeneDx Variant Classification Process June 2021. Collection method: clinical testing. Allele origin: germline. Affected: yes.
Comment: Not observed in large population cohorts (gnomAD); In silico analysis, which includes protein predictors and evolutionary conservation, supports a deleterious effect; Has not been previously published as pathogenic or benign to our knowledge

Women's Health and Genetics/Laboratory Corporation of America, LabCorp
Classification: Uncertain significance. Last evaluated: 2022-05-10. Review status: criteria provided, single submitter. Criteria: LabCorp Variant Classification Summary - May 2015. Collection method: clinical testing. Allele origin: germline.
Comment: Variant summary: SETD1B c.5392C>T (p.Arg1798Cys) results in a non-conservative amino acid change in the encoded protein sequence. Four of four in-silico tools predict a damaging effect of the variant on protein function. The variant was absent in 152532 control chromosomes (gnomAD). The available data on variant occurrences in the general population are insufficient to allow any conclusion about variant significance. To our knowledge, no occurrence of c.5392C>T in individuals affected with Intellectual Developmental Disorder With Seizures And Language Delay and no experimental evidence demonstrating its impact on protein function have been reported. One clinical diagnostic laboratory has submitted clinical-significance assessments for this variant to ClinVar after 2014 without evidence for independent evaluation and classified as likely pathogenic. Based on the evidence outlined above, the variant was classified as uncertain significance.

NM_001353345.2(SETD1B):c.5392C>T (p.Arg1798Cys)

Gene: SETD1B (SET domain containing 1B, histone lysine methyltransferase; plus strand). Cytogenetic location: 12q24.31.
Variant type: single nucleotide variant.
Coding change: c.5392C>T on transcript NM_001353345.2 (MANE Select); coding-DNA position 5392, C replaced by T.
Protein change: p.Arg1798Cys; replaces arginine 1798 with cysteine.
Molecular consequence: missense variant.
Genome position (GRCh38, 1-based): chr12:121,827,573, C>T. VCF-style: chr12-121827573-C-T. GRCh37 (hg19) VCF-style: chr12-122265479-C-T.
Other names: short protein forms R1798C.
Identifiers: ClinVar variation 1203010 (VCV001203010.5), dbSNP rs2137589027, ClinGen allele CA387004323.
Genomic context (GRCh38, chr12:121,827,573, plus strand): 5'-CTGCAGGGCATGAGCATCCCAGCACAGCCCCACGCCTCCACCCGGGCAGGCTCGGAGCGG[C>T]GTTCGGAGCAGCGCCGCCTGCTGTCCTCCTTCACTGGCAGCTGTGACAGTGACCTGCTCA-3'
Protein context (NP_001340274.1, residues 1788-1808): HASTRAGSER[Arg1798Cys]SEQRRLLSSF